The following is an entry in ClinVar:

NM_004700.4(KCNQ4):c.1107T>A (p.Tyr369Ter)

Gene: KCNQ4 (potassium voltage-gated channel subfamily Q member 4; plus strand). Cytogenetic location: 1p34.2.
Variant type: single nucleotide variant.
Coding change: c.1107T>A on transcript NM_004700.4 (MANE Select); coding-DNA position 1107, T replaced by A.
Protein change: p.Tyr369Ter; replaces tyrosine 369 with a stop codon.
Molecular consequence: nonsense.
Genome position (GRCh38, 1-based): chr1:40,822,379, T>A. VCF-style: chr1-40822379-T-A. GRCh37 (hg19) VCF-style: chr1-41288051-T-A.
Other names: c.1107T>A, p.Tyr369Ter (NM_172163.3); short protein forms Y369*.
Identifiers: ClinVar variation 3601180 (VCV003601180.1).
Genomic context (GRCh38, chr1:40,822,379, plus strand): 5'-CTGGCGCCTGTACTCCACCGATATGAGCCGGGCCTACCTGACAGCCACCTGGTACTACTA[T>A]GACAGTATCCTCCCATCCTTCAGGTAGGTCCTGCTGGGGGTGGGGGTGGGTGGGGGGCTG-3'

ClinVar aggregate classification (germline): Likely pathogenic (1 of 4 stars; one submission).

Conditions:
Autosomal dominant nonsyndromic hearing loss 2A. Also called: Autosomal dominant nonsyndromic deafness 2A; DFNA2 Nonsyndromic Hearing Loss; Deafness, autosomal dominant 2A. Identifiers: Orphanet 90635, MedGen C2677637, MONDO:0010817, OMIM 600101.

gnomAD v4.1: 6 of 1,430,008 alleles (0.00042%); highest among the groups gnomAD compares: Non-Finnish European, 0.00056%; no homozygotes.

Submission:

Institute of Rare Diseases, West China Hospital, Sichuan University
Classification: Likely pathogenic for Autosomal dominant nonsyndromic hearing loss 2A. Last evaluated: 2025-01-09. Review status: criteria provided, single submitter. Criteria: ClinGen HL ACMG Specifications v1. Collection method: research. Allele origin: germline. Affected: yes.
Comment: PVS1;PM2_Supporting